The following is an entry in ClinVar:

NM_001916.5(CYC1):c.952A>C (p.Lys318Gln)

Gene: CYC1 (cytochrome c1; plus strand). Cytogenetic location: 8q24.3.
Variant type: single nucleotide variant.
Coding change: c.952A>C on transcript NM_001916.5 (MANE Select); coding-DNA position 952, A replaced by C.
Protein change: p.Lys318Gln; replaces lysine 318 with glutamine.
Molecular consequence: missense variant.
Genome position (GRCh38, 1-based): chr8:144,097,310, A>C. VCF-style: chr8-144097310-A-C. GRCh37 (hg19) VCF-style: chr8-145152213-A-C.
Other names: short protein forms K318Q.
Identifiers: ClinVar variation 1722810 (VCV001722810.2), dbSNP rs779536715, ClinGen allele CA4933603.
Genomic context (GRCh38, chr8:144,097,310, plus strand): 5'-CTGCTGGTGCCCCTGGTCTACACCATAAAGCGGCACAAGTGGTCAGTCCTGAAGAGTCGG[A>C]AGCTGGCATATCGGCCGCCCAAGTGACCCTGTCCAGTGTCTGCTTGCCATCCTGCCAGAA-3'
Protein context (NP_001907.3, residues 308-325): RHKWSVLKSR[Lys318Gln]LAYRPPK

ClinVar aggregate classification (germline): Uncertain significance (1 of 4 stars; one submission).

Allele frequency attached by ClinVar (database versions not stated): gnomAD exomes below 0.00001; ExAC 0.00001.
gnomAD v4.1: 2 of 1,614,038 alleles (0.00012%); highest among the groups gnomAD compares: Admixed American, 0.0033%; no homozygotes.

Submission:

GeneDx
Classification: Uncertain significance. Last evaluated: 2022-05-04. Review status: criteria provided, single submitter. Criteria: GeneDx Variant Classification Process June 2021. Collection method: clinical testing. Allele origin: germline. Affected: yes.
Comment: Not observed at significant frequency in large population cohorts (gnomAD); In silico analysis supports that this missense variant has a deleterious effect on protein structure/function; Has not been previously published as pathogenic or benign to our knowledge